The following is an entry in ClinVar:

NM_001384732.1(CPLANE1):c.3290-2_3291del

Gene: CPLANE1 (ciliogenesis and planar polarity effector complex subunit 1; minus strand). Cytogenetic location: 5p13.2.
Variant type: Deletion.
Coding change: c.3290-2_3291del on transcript NM_001384732.1 (MANE Select); the canonical splice acceptor site of the intron before coding-DNA position 3290 through coding-DNA position 3291, 4 bases deleted (AGAT; older notation c.3290-2_3291delAGAT).
Molecular consequence: splice acceptor variant.
Genome position (GRCh38, 1-based): chr5:37,201,807-37,201,810, ATCT deleted on the plus strand (AGAT on the coding strand, the reverse complement: CPLANE1 is on the minus strand); deleting any 4 consecutive bases within chr5:37,201,807-37,201,813 gives the same sequence; the c. name uses the placement nearest the transcript's 3' end. VCF-style (leftmost placement, unchanged base first): chr5-37201806-GATCT-G. GRCh37 (hg19) VCF-style: chr5-37201908-GATCT-G.
Other names: c.3290-2_3291del (NM_023073.4).
Identifiers: ClinVar variation 5019415 (VCV005019415.2).
Genomic context (GRCh38, chr5:37,201,806, plus strand): 5'-ATGCTTTCAGTACTTCTTGTACTGAACCAAATAGCAGATTTGCATCTTCCTCTTCAATGG[GATCT>G]ATCAAATACAAAAATTTGGTAAAATAGTTAAAGCTTGTATTAAACTTCTTATCCATTTTG-3'

ClinVar aggregate classification (germline): Likely pathogenic (1 of 4 stars; one submission).

Conditions:
Joubert syndrome 17 (JBTS17). Identifiers: Orphanet 475, MedGen C3553264, MONDO:0013824, OMIM 614615.
Orofaciodigital syndrome type 6 (OFD6). Also called: OROFACIODIGITAL SYNDROME VI; OFDS VI; POLYDACTYLY, CLEFT LIP/PALATE OR LINGUAL LUMP, AND PSYCHOMOTOR RETARDATION; VARADI SYNDROME; VARADI-PAPP SYNDROME; Oral-facial-digital syndrome type 6. Identifiers: Orphanet 2754, MedGen C2745997, MONDO:0010176, OMIM 277170.

Submission:

Juno Genomics, Hangzhou Juno Genomics, Inc
Classification: Likely pathogenic for Joubert syndrome 17; Orofaciodigital syndrome type 6. Review status: criteria provided, single submitter. Criteria: ACMG Guidelines, 2015. Collection method: clinical testing. Allele origin: germline.
Comment: Absent from controls (or at extremely low frequency if recessive) in Genome Aggregation Database.;Null variant in a gene where loss of function (LOF) is a known mechanism of disease.